The following is an entry in ClinVar:

ClinVar aggregate classification (germline): Likely pathogenic (1 of 4 stars; one submission).

Conditions:
Koolen-de Vries syndrome (KDVS). Identifiers: Orphanet 96169, MedGen C1864871, MONDO:0012496, OMIM 610443.

Submission:

Variantyx, Inc.
Classification: Likely pathogenic for Koolen-de Vries syndrome. Last evaluated: 2025-05-29. Review status: criteria provided, single submitter. Criteria: Variantyx Assertion Criteria 2022. Collection method: clinical testing. Allele origin: germline. Inheritance: Autosomal dominant inheritance. Affected: yes.
Comment: This is a frameshift variant in the KANSL1 gene (OMIM: 612452). Pathogenic variants in this gene have been associated with autosomal dominant Koolen-De Vries syndrome. This variant introduces a premature termination codon in exon 2 out of 15 and is expected to result in loss of function, which is a known disease mechanism for KANSL1 in this disorder (PMID: 22544367, 22544363) (PVS1). This variant is absent from control populations (PM2). and it has not been reported in individuals with KANSL1-related disorders in the databases available for review. Based on the current evidence, this variant is classified as likely pathogenic for autosomal dominant Koolen-De Vries syndrome.

Literature cited by the submitters: PubMed 22544367; PubMed 22544363.

NM_015443.4(KANSL1):c.918_923delinsATTGA (p.Val307fs)

Gene: KANSL1 (KAT8 regulatory NSL complex subunit 1). Cytogenetic location: 17q21.31.
Variant type: Indel.
Coding change: c.918_923delinsATTGA on transcript NM_015443.4 (MANE Select); coding-DNA positions 918 to 923, the reference bases replaced by ATTGA.
Protein change: p.Val307fs; shifts the reading frame from valine 307.
Molecular consequence: frameshift variant. On other transcripts: intron variant (4).
Genome position: GRCh38 VCF-style: chr17-46171221-ACAACC-TCAAT. GRCh37 (hg19) VCF-style: chr17-44248587-ACAACC-TCAAT.
Other names: c.918_923delinsATTGA, p.Val307fs (NM_001193465.2, NM_001193466.2, NM_001379198.1 and 18 more transcripts); c.23+52445_23+52450delinsATTGA (NM_001405885.1, NM_001405884.1, NM_001405883.1 and 1 more transcripts); short protein forms V307fs.
Identifiers: ClinVar variation 4850698 (VCV004850698.1).